The following is an entry in ClinVar:

NM_001659.3(ARF3):c.275T>G (p.Val92Gly)

Gene: ARF3 (ARF GTPase 3; minus strand). Cytogenetic location: 12q13.12.
Variant type: single nucleotide variant.
Coding change: c.275T>G on transcript NM_001659.3 (MANE Select); coding-DNA position 275, T replaced by G.
Protein change: p.Val92Gly; replaces valine 92 with glycine.
Molecular consequence: missense variant.
Genome position (GRCh38, 1-based): chr12:48,939,764, A>C on the plus strand (T>G on the coding strand, the complement: ARF3 is on the minus strand). VCF-style: chr12-48939764-A-C. GRCh37 (hg19) VCF-style: chr12-49333547-A-C.
Other names: c.275T>G, p.Val92Gly (NM_001412914.1, NM_001412915.1, NM_001412916.1 and 6 more transcripts); c.164T>G, p.Val55Gly (NM_001412932.1); short protein forms V55G, V92G.
Identifiers: ClinVar variation 4855184 (VCV004855184.1).

ClinVar aggregate classification (germline): Uncertain significance (1 of 4 stars; one submission).

Conditions:
ARF3-related disorder.

Submission:

3billion
Classification: Uncertain significance for ARF3-related disorder. Last evaluated: 2025-07-02. Review status: criteria provided, single submitter. Criteria: ACMG Guidelines, 2015. Collection method: clinical testing. Allele origin: germline. Affected: yes.
Comment: The variant is not observed in the gnomAD v4.1.0 dataset. Predicted Consequence/Location: Missense variant. Missense changes are a common disease-causing mechanism. In silico tool predictions suggest damaging effect of the variant on gene or gene product [REVEL: 0.87 (>=0.6, sensitivity 0.68 and specificity 0.92); 3Cnet: 0.97 (> 0.75, sensitivity 0.96 and precision 0.92)]. Therefore, this variant is classified as VUS according to the recommendation of ACMG/AMP guideline.